The following is an entry in ClinVar:

NM_005591.4(MRE11):c.1546G>T (p.Asp516Tyr)

Gene: MRE11 (MRE11 double strand break repair nuclease; minus strand). Cytogenetic location: 11q21.
Variant type: single nucleotide variant.
Coding change: c.1546G>T on transcript NM_005591.4 (MANE Select); coding-DNA position 1546, G replaced by T.
Protein change: p.Asp516Tyr; replaces aspartic acid 516 with tyrosine.
Molecular consequence: missense variant.
Genome position (GRCh38, 1-based): chr11:94,456,293, C>A on the plus strand (G>T on the coding strand, the complement: MRE11 is on the minus strand). VCF-style: chr11-94456293-C-A. GRCh37 (hg19) VCF-style: chr11-94189459-C-A.
Other names: c.1546G>T, p.Asp516Tyr (NM_001330347.2, NM_005590.4); short protein forms D516Y.
Identifiers: ClinVar variation 3397876 (VCV003397876.1).

ClinVar aggregate classification (germline): Uncertain significance (1 of 4 stars; one submission).

Conditions:
Hereditary cancer-predisposing syndrome. Also called: Hereditary Cancer Syndrome; Tumor predisposition; Hereditary neoplastic syndrome; Neoplastic Syndromes, Hereditary. Identifiers: Orphanet 140162, MedGen C0027672, MeSH D009386, MONDO:0015356.

Submission:

Ambry Genetics
Classification: Uncertain significance for Hereditary cancer-predisposing syndrome. Last evaluated: 2024-10-21. Review status: criteria provided, single submitter. Criteria: Ambry Variant Classification Scheme 2023. Collection method: clinical testing. Allele origin: germline.
Comment: The p.D516Y variant (also known as c.1546G>T), located in coding exon 13 of the MRE11A gene, results from a G to T substitution at nucleotide position 1546. The aspartic acid at codon 516 is replaced by tyrosine, an amino acid with highly dissimilar properties. This amino acid position is conserved. In addition, the in silico prediction for this alteration is inconclusive. Based on the available evidence, the clinical significance of this variant remains unclear.